The following is an entry in ClinVar:

NM_002691.4(POLD1):c.1112A>G (p.Tyr371Cys)

Gene: POLD1 (DNA polymerase delta 1, catalytic subunit; plus strand). Cytogenetic location: 19q13.33.
Variant type: single nucleotide variant.
Coding change: c.1112A>G on transcript NM_002691.4 (MANE Select); coding-DNA position 1112, A replaced by G.
Protein change: p.Tyr371Cys; replaces tyrosine 371 with cysteine.
Molecular consequence: missense variant. On other transcripts: non-coding transcript variant (1).
Genome position (GRCh38, 1-based): chr19:50,403,194, A>G. VCF-style: chr19-50403194-A-G. GRCh37 (hg19) VCF-style: chr19-50906451-A-G.
Other names: c.1112A>G, p.Tyr371Cys (NM_001256849.1, NM_001308632.1); short protein forms Y371C.
Identifiers: ClinVar variation 2818316 (VCV002818316.3), dbSNP rs2513974019, ClinGen allele CA406978350.

ClinVar aggregate classification (germline): Uncertain significance (1 of 4 stars; one submission).

Conditions:
POLD1-related polyposis and colorectal cancer syndrome (CRCS10). Also called: Colorectal cancer 10; Colorectal cancer, susceptibility to, 10; COLORECTAL CANCER, SUSCEPTIBILITY TO, ON CHROMOSOME 19q. Identifiers: Orphanet 220460, MedGen C2675481, MONDO:0012953, OMIM 612591.

Submission:

Labcorp Genetics (formerly Invitae), Labcorp
Classification: Uncertain significance for POLD1-related polyposis and colorectal cancer syndrome. Last evaluated: 2022-12-03. Review status: criteria provided, single submitter. Criteria: Invitae Variant Classification Sherloc (09022015). Collection method: clinical testing. Allele origin: germline.
Comment: In summary, the available evidence is currently insufficient to determine the role of this variant in disease. Therefore, it has been classified as a Variant of Uncertain Significance. Advanced modeling of protein sequence and biophysical properties (such as structural, functional, and spatial information, amino acid conservation, physicochemical variation, residue mobility, and thermodynamic stability) performed at Invitae indicates that this missense variant is not expected to disrupt POLD1 protein function. This variant has not been reported in the literature in individuals affected with POLD1-related conditions. This variant is not present in population databases (gnomAD no frequency). This sequence change replaces tyrosine, which is neutral and polar, with cysteine, which is neutral and slightly polar, at codon 371 of the POLD1 protein (p.Tyr371Cys).